The following is an entry in ClinVar:

NM_000492.4(CFTR):c.274-3T>C

Gene: CFTR (CF transmembrane conductance regulator; plus strand). Cytogenetic location: 7q31.2.
Variant type: single nucleotide variant.
Coding change: c.274-3T>C on transcript NM_000492.4 (MANE Select); 3 bases into the intron before coding-DNA position 274, T replaced by C.
Molecular consequence: intron variant.
Genome position (GRCh38, 1-based): chr7:117,530,896, T>C. VCF-style: chr7-117530896-T-C. GRCh37 (hg19) VCF-style: chr7-117170950-T-C.
Identifiers: ClinVar variation 556193 (VCV000556193.5), dbSNP rs1554379763, ClinGen allele CA658821270.

ClinVar aggregate classification (germline): Uncertain significance. Review status: criteria provided, single submitter (1 of 4 stars). 2 submissions from 2 submitters: Uncertain significance (1). 1 of the submissions does not count toward it. Last evaluated 2026-01-26.

Conditions:
Cystic fibrosis (CF). Also called: MUCOVISCIDOSIS. Identifiers: Orphanet 586, MedGen C0010674, MONDO:0009061, OMIM 219700. Disease mechanism: loss of function.

Allele frequency attached by ClinVar (database versions not stated): gnomAD exomes below 0.00001.
gnomAD v4.1: 1 of 1,596,080 alleles (0.000063%); no homozygotes.

Submissions (2):

Women's Health and Genetics/Laboratory Corporation of America, LabCorp
Classification: Uncertain significance. Last evaluated: 2026-01-26. Review status: criteria provided, single submitter. Criteria: LabCorp Variant Classification Summary - May 2015. Collection method: clinical testing. Allele origin: germline.
Comment: Variant summary: CFTR c.274-3T>C alters a conserved nucleotide located close to a canonical splice site and therefore could affect mRNA splicing, leading to a significantly altered protein sequence. Consensus agreement among computation tools predict no significant impact on normal splicing. However, these predictions have yet to be confirmed by functional studies. The variant was absent in 250472 control chromosomes. The available data on variant occurrences in the general population are insufficient to allow any conclusion about variant significance. c.274-3T>C has been observed in at least one individual affected with Cystic Fibrosis (Wong_2022, Ocak_2014) and also in the heterozygous state in individuals with clinical features of CFTR-related conditions (Alibakhshki_2008, Kilinc_2022) without strong evidence for causality. These data do not allow any conclusion about variant significance. To our knowledge, no experimental evidence demonstrating an impact on protein function has been reported. The following publications have been ascertained in the context of this evaluation (PMID: 17662673, 12439892, 25536748, 35072004). ClinVar contains an entry for this variant (Variation ID: 556193). Based on the evidence outlined above, the variant was classified as uncertain significance.

Counsyl
Classification: Uncertain significance for Cystic fibrosis. Last evaluated: 2018-01-22. Review status: no assertion criteria provided. Collection method: clinical testing. Allele origin: unknown. Not counted in ClinVar's aggregate classification.

Literature cited by the submitters: PubMed 12439892 (cited by Women's Health and Genetics/Laboratory Corporation of America, LabCorp and Counsyl); PubMed 17662673 (cited by Women's Health and Genetics/Laboratory Corporation of America, LabCorp and Counsyl); PubMed 25536748 (cited by Women's Health and Genetics/Laboratory Corporation of America, LabCorp); PubMed 35072004 (cited by Women's Health and Genetics/Laboratory Corporation of America, LabCorp).